The following is an entry in ClinVar:

ClinVar aggregate classification (germline): Pathogenic. Review status: criteria provided, single submitter (1 of 4 stars). 2 submissions from 2 submitters: Pathogenic (1). 1 of the submissions does not count toward it. Last evaluated 2019-09-12.

Conditions:
Bardet-Biedl syndrome 1 (BBS1). Identifiers: MedGen C2936862, MONDO:0008854, OMIM 209900. Disease mechanism: loss of function.
Bardet-Biedl syndrome (BBS). Identifiers: Orphanet 110, MedGen C0752166, MONDO:0015229.

Submissions (2):

Labcorp Genetics (formerly Invitae), Labcorp
Classification: Pathogenic for Bardet-Biedl syndrome. Last evaluated: 2019-09-12. Review status: criteria provided, single submitter. Criteria: Invitae Variant Classification Sherloc (09022015). Collection method: clinical testing. Allele origin: germline.
Comment: This variant is not present in population databases (ExAC no frequency). For these reasons, this variant has been classified as Pathogenic. Loss-of-function variants in BBS1 are known to be pathogenic (PMID: 12118255). This variant has been observed in an individual affected with Bardet Biedl syndrome (PMID: 26518167). ClinVar contains an entry for this variant (Variation ID: 217433). This sequence change creates a premature translational stop signal (p.Gln338*) in the BBS1 gene. It is expected to result in an absent or disrupted protein product.

Department Of Medical Genetics, Faculty Of Medicine, Ege University
Classification: Pathogenic for Bardet-Biedl syndrome 1. Last evaluated: 2015-10-05. Review status: no assertion criteria provided. Collection method: research. Allele origin: inherited. Affected: yes. Not counted in ClinVar's aggregate classification.

Literature cited by the submitters: PubMed 12118255 (cited by Labcorp Genetics (formerly Invitae), Labcorp); PubMed 26518167 (cited by Labcorp Genetics (formerly Invitae), Labcorp and Department Of Medical Genetics, Faculty Of Medicine, Ege University).

NM_024649.5(BBS1):c.1012C>T (p.Gln338Ter)

Genes: BBS1 (Bardet-Biedl syndrome 1; plus strand), ZDHHC24 (zDHHC palmitoyltransferase 24; minus strand). Cytogenetic location: 11q13.2.
Variant type: single nucleotide variant.
Coding change: c.1012C>T on transcript NM_024649.5 (MANE Select); coding-DNA position 1012, C replaced by T.
Protein change: p.Gln338Ter; replaces glutamine 338 with a stop codon.
Molecular consequence: nonsense. On other transcripts: intron variant (1).
Genome position (GRCh38, 1-based): chr11:66,523,784, C>T. VCF-style: chr11-66523784-C-T. GRCh37 (hg19) VCF-style: chr11-66291255-C-T.
Other names: c.*22-2318G>A (NM_001348571.2); short protein forms Q338*.
Identifiers: ClinVar variation 217433 (VCV000217433.10), dbSNP rs869025205, ClinGen allele CA351665.